The following is an entry in ClinVar:

ClinVar aggregate classification (germline): Benign (1 of 4 stars; one submission).

Conditions:
Intellectual developmental disorder, autosomal dominant 30, with speech delay and behavioral abnormalities. Also called: Intellectual disability, autosomal dominant 30. Identifiers: Orphanet 436151, MedGen C4015167, MONDO:0014486, OMIM 616083.

Submission:

Centre for Mendelian Genomics, University Medical Centre Ljubljana
Classification: Benign for Intellectual developmental disorder, autosomal dominant 30, with speech delay and behavioral abnormalities. Last evaluated: 2018-10-25. Review status: criteria provided, single submitter. Criteria: ACMG Guidelines, 2015. Collection method: clinical testing. Allele origin: unknown. Affected: yes.
Comment: This variant was classified as: Benign. The following ACMG criteria were applied in classifying this variant: BS1,BS2.

NM_001370100.5(ZMYND11):c.1342_1344del (p.Pro448del)

Genes: ZMYND11 (zinc finger MYND-type containing 11; plus strand), LOC126860802 (BRD4-independent group 4 enhancer GRCh37_chr10:294268-295467; plus strand). Cytogenetic location: 10p15.3.
Variant type: Deletion.
Coding change: c.1342_1344del on transcript NM_001370100.5 (MANE Select); coding-DNA positions 1342 to 1344, 3 bases deleted (CCA; older notation c.1342_1344delCCA).
Protein change: p.Pro448del; deletes proline 448.
Molecular consequence: inframe deletion. On other transcripts: non-coding transcript variant (1).
Genome position (GRCh38, 1-based): chr10:248,450-248,452, CCA deleted; deleting any 3 consecutive bases within chr10:248,448-248,452 gives the same sequence; the c. name uses the placement nearest the transcript's 3' end. VCF-style (leftmost placement, unchanged base first): chr10-248447-TCAC-T. GRCh37 (hg19) VCF-style: chr10-294387-TCAC-T.
Other names: c.1180_1182del, p.Pro394del (NM_001202464.3, NM_001202467.1, NM_001370103.2 and 6 more transcripts); c.1087_1089del, p.Pro363del (NM_001202465.3, NM_001370110.2); c.1177_1179del, p.Pro393del (NM_001202466.3, NM_001370111.2); c.1342_1344del, p.Pro448del (NM_001202468.1, NM_001370097.3, NM_001370098.2 and 4 more transcripts); c.1291_1293del, p.Pro431del (NM_001330057.3, NM_001370112.2); c.1249_1251del, p.Pro417del (NM_001370113.2, NM_001370114.2); c.1339_1341del, p.Pro447del (NM_001370115.2, NM_212479.4); c.1276_1278del, p.Pro426del (NM_001370116.2); and 8 more; short protein forms P346del, P394del, P291del, P408del, P417del, P431del, P354del, P363del.
Identifiers: ClinVar variation 931803 (VCV000931803.3), dbSNP rs1250648883, ClinGen allele CA591377149.
Genomic context (GRCh38, chr10:248,447, plus strand): 5'-ATGCCTCAGCCCATCGAAAAAGTCTCCGTGTCAACTCAGACAAAGAAGTTAAGTGCCTCT[TCAC>T]CAAGAATGCTGCATCGGAGCACCCAGACCACAAACGACGGCGTGTGTCAGAGCATGTGCC-3'